The following is an entry in ClinVar:

ClinVar aggregate classification (germline): Uncertain significance. Review status: criteria provided, multiple submitters, no conflicts (2 of 4 stars). 2 submissions from 2 submitters: Uncertain significance (2). Last evaluated 2026-05-24.

Conditions:
ERBIN-related disorder. Also called: ERBIN-related condition.

Allele frequency attached by ClinVar (database versions not stated): gnomAD 0.00003; ExAC 0.00004; TOPMed 0.00004; gnomAD exomes 0.00005; ESP Exome Variant Server 0.00008.
gnomAD v4.1: 140 of 1,594,394 alleles (0.0088%); highest among the groups gnomAD compares: Non-Finnish European, 0.011%; no homozygotes.

Submissions (2):

PreventionGenetics, part of Exact Sciences
Classification: Uncertain significance for ERBIN-related condition. Last evaluated: 2026-05-24. Review status: criteria provided, single submitter. Criteria: ACMG Guidelines, 2015. Collection method: clinical testing. Allele origin: germline.
Comment: The ERBIN c.952A>G variant is predicted to result in the amino acid substitution p.Ile318Val. To our knowledge, this variant has not been reported in the literature. This variant is reported in 0.0073% of alleles in individuals of European (Non-Finnish) descent in gnomAD. Although we suspect that this variant may be benign, at this time, the clinical significance of this variant is uncertain due to the absence of conclusive functional and genetic evidence.

Labcorp Genetics (formerly Invitae), Labcorp
Classification: Uncertain significance. Last evaluated: 2025-09-30. Review status: criteria provided, single submitter. Criteria: Invitae Variant Classification Sherloc (09022015). Collection method: clinical testing. Allele origin: germline.
Comment: This sequence change replaces isoleucine, which is neutral and non-polar, with valine, which is neutral and non-polar, at codon 318 of the ERBIN protein (p.Ile318Val). This variant is present in population databases (rs373419259, gnomAD 0.007%). This variant has not been reported in the literature in individuals affected with ERBIN-related conditions. ClinVar contains an entry for this variant (Variation ID: 1013639). An algorithm developed to predict the effect of missense changes on protein structure and function outputs the following: PolyPhen-2: "Benign". The valine amino acid residue is found in multiple mammalian species, which suggests that this missense change does not adversely affect protein function. In summary, the available evidence is currently insufficient to determine the role of this variant in disease. Therefore, it has been classified as a Variant of Uncertain Significance.

NM_001253697.2(ERBIN):c.952A>G (p.Ile318Val)

Gene: ERBIN (erbb2 interacting protein; plus strand). Cytogenetic location: 5q12.3.
Variant type: single nucleotide variant.
Coding change: c.952A>G on transcript NM_001253697.2 (MANE Select); coding-DNA position 952, A replaced by G.
Protein change: p.Ile318Val; replaces isoleucine 318 with valine.
Molecular consequence: missense variant.
Genome position (GRCh38, 1-based): chr5:66,025,909, A>G. VCF-style: chr5-66025909-A-G. GRCh37 (hg19) VCF-style: chr5-65321737-A-G.
Other names: c.952A>G (NM_001006600.2); c.952A>G, p.Ile318Val (NM_001006600.3, NM_001253698.2, NM_001253699.2 and 2 more transcripts); short protein forms I318V.
Identifiers: ClinVar variation 1013639 (VCV001013639.10), dbSNP rs373419259, ClinGen allele CA3286107.
Genomic context (GRCh38, chr5:66,025,909, plus strand): 5'-TTAATATCAGTAGAAGAACTGGATTGTAGTTTCAATGAAGTTGAAGCTTTGCCTTCATCT[A>G]TTGGGCAGCTTACTAACTTAAGAACTTTTGCTGCTGATCATAATTACTTACAGCAGTTGC-3'
Protein context (NP_001240626.1, residues 308-328): FNEVEALPSS[Ile318Val]GQLTNLRTFA